The following is an entry in ClinVar:

NM_001384474.1(LOXHD1):c.5865G>A (p.Trp1955Ter)

Gene: LOXHD1 (lipoxygenase homology PLAT domains 1; minus strand). Cytogenetic location: 18q21.1.
Variant type: single nucleotide variant.
Coding change: c.5865G>A on transcript NM_001384474.1 (MANE Select); coding-DNA position 5865, G replaced by A.
Protein change: p.Trp1955Ter; replaces tryptophan 1955 with a stop codon.
Molecular consequence: nonsense.
Genome position (GRCh38, 1-based): chr18:46,505,851, C>T on the plus strand (G>A on the coding strand, the complement: LOXHD1 is on the minus strand). VCF-style: chr18-46505851-C-T. GRCh37 (hg19) VCF-style: chr18-44085814-C-T.
Other names: c.2532G>A, p.Trp844Ter (NM_001145472.3); c.582G>A, p.Trp194Ter (NM_001145473.3, NM_001173129.2); c.2244G>A, p.Trp748Ter (NM_001308013.2); c.5679G>A, p.Trp1893Ter (NM_144612.7); short protein forms W194*, W1955*, W844*, W1893*, W748*.
Identifiers: ClinVar variation 2788491 (VCV002788491.3), dbSNP rs2511481026, ClinGen allele CA402367438.

ClinVar aggregate classification (germline): Pathogenic (1 of 4 stars; one submission).

Allele frequency attached by ClinVar (database versions not stated): gnomAD exomes below 0.00001.

Submission:

Labcorp Genetics (formerly Invitae), Labcorp
Classification: Pathogenic. Last evaluated: 2023-01-19. Review status: criteria provided, single submitter. Criteria: Invitae Variant Classification Sherloc (09022015). Collection method: clinical testing. Allele origin: germline.
Comment: For these reasons, this variant has been classified as Pathogenic. This variant has not been reported in the literature in individuals affected with LOXHD1-related conditions. This variant is not present in population databases (gnomAD no frequency). This sequence change creates a premature translational stop signal (p.Trp1893*) in the LOXHD1 gene. It is expected to result in an absent or disrupted protein product. Loss-of-function variants in LOXHD1 are known to be pathogenic (PMID: 19732867, 21465660, 25792669).

Literature cited by the submitters: PubMed 19732867; PubMed 21465660; PubMed 25792669.